The following is an entry in ClinVar:

ClinVar aggregate classification (germline): Pathogenic (1 of 4 stars; one submission).

Conditions:
Breast-ovarian cancer, familial, susceptibility to, 4. Identifiers: Orphanet 145, MedGen C3280345, MONDO:0013669, OMIM 614291.

Submission:

Labcorp Genetics (formerly Invitae), Labcorp
Classification: Pathogenic for Breast-ovarian cancer, familial, susceptibility to, 4. Last evaluated: 2023-01-16. Review status: criteria provided, single submitter. Criteria: Invitae Variant Classification Sherloc (09022015). Collection method: clinical testing. Allele origin: unknown.
Comment: For these reasons, this variant has been classified as Pathogenic. This variant disrupts a region of the RAD51D protein in which other variant(s) (p.Arg300Aspfs*10) have been determined to be pathogenic (Invitae). This suggests that this is a clinically significant region of the protein, and that variants that disrupt it are likely to be disease-causing. This variant has not been reported in the literature in individuals affected with RAD51D-related conditions. This variant results in the deletion of exons 9 and 10 and part of exon 8 (c.704_987del) of the RAD51D gene. While this deletion is not anticipated to lead to nonsense mediated decay, it is expected to alter mRNA translation or result in a truncated protein product.

NC_000017.10:g.(?_33427972)_(33430307_?)del

Gene: RAD51D (RAD51 paralog D; minus strand). Cytogenetic location: 17q12.
Variant type: Deletion.
Identifiers: ClinVar variation 3243099 (VCV003243099.1).